The following is an entry in ClinVar:

NM_001267550.2(TTN):c.91270+5G>A

Genes: TTN (titin; minus strand), TTN-AS1 (TTN antisense RNA 1; plus strand). Cytogenetic location: 2q31.2.
Variant type: single nucleotide variant.
Coding change: c.91270+5G>A on transcript NM_001267550.2 (MANE Select); 5 bases into the intron after coding-DNA position 91270, G replaced by A.
Molecular consequence: intron variant.
Genome position (GRCh38, 1-based): chr2:178,551,625, C>T on the plus strand (G>A on the coding strand, the complement: TTN is on the minus strand). VCF-style: chr2-178551625-C-T. GRCh37 (hg19) VCF-style: chr2-179416352-C-T.
Other names: c.64075+5G>A (NM_003319.4); c.64651+5G>A (NM_133437.4); c.64450+5G>A (NM_133432.3); c.83566+5G>A (NM_133378.4); c.86347+5G>A (NM_001256850.1).
Identifiers: ClinVar variation 1172885 (VCV001172885.1), dbSNP rs2154150668, ClinGen allele CA2499215316.

ClinVar aggregate classification (germline): Uncertain significance (1 of 4 stars; one submission).

Submission:

Women's Health and Genetics/Laboratory Corporation of America, LabCorp
Classification: Uncertain significance. Last evaluated: 2021-06-14. Review status: criteria provided, single submitter. Criteria: LabCorp Variant Classification Summary - May 2015. Collection method: clinical testing. Allele origin: germline.
Comment: Variant summary: TTN c.83566+5G>A alters a conserved nucleotide located close to a canonical splice site and therefore could affect mRNA splicing, leading to a significantly altered protein sequence. Several computational tools predict a significant impact on normal splicing: Two predict the variant weakens a 5' donor site. However, these predictions have yet to be confirmed by functional studies. The variant was absent in 194616 control chromosomes. The available data on variant occurrences in the general population are insufficient to allow any conclusion about variant significance. To our knowledge, no occurrence of c.83566+5G>A in individuals affected with Dilated Cardiomyopathy and no experimental evidence demonstrating its impact on protein function have been reported. No clinical diagnostic laboratories have submitted clinical-significance assessments for this variant to ClinVar after 2014. Based on the evidence outlined above, the variant was classified as uncertain significance.